The following is an entry in ClinVar:

ClinVar aggregate classification (germline): Uncertain significance (1 of 4 stars; one submission).

Submission:

Mayo Clinic Laboratories, Mayo Clinic
Classification: Uncertain significance. Last evaluated: 2024-06-27. Review status: criteria provided, single submitter. Criteria: ACMG Guidelines, 2015. Collection method: clinical testing. Allele origin: germline. Observed: 1 variant allele.
Comment: PM1_supporting, PM2

Literature cited by the submitters: PubMed 16705712; PubMed 23910795; PubMed 28300866.

NM_000488.4(SERPINC1):c.158G>T (p.Cys53Phe)

Gene: SERPINC1 (serpin family C member 1; minus strand). Cytogenetic location: 1q25.1.
Variant type: single nucleotide variant.
Coding change: c.158G>T on transcript NM_000488.4 (MANE Select); coding-DNA position 158, G replaced by T.
Protein change: p.Cys53Phe; replaces cysteine 53 with phenylalanine.
Molecular consequence: missense variant.
Genome position (GRCh38, 1-based): chr1:173,914,803, C>A on the plus strand (G>T on the coding strand, the complement: SERPINC1 is on the minus strand). VCF-style: chr1-173914803-C-A. GRCh37 (hg19) VCF-style: chr1-173883941-C-A.
Other names: p.Cys53Phe; c.14G>T, p.Cys5Phe (NM_001365052.2); c.158G>T, p.Cys53Phe (NM_001386302.1, NM_001386304.1, NM_001386305.1 and 1 more transcripts); c.239G>T, p.Cys80Phe (NM_001386303.1); short protein forms C53F, C5F, C80F.
Identifiers: ClinVar variation 3380207 (VCV003380207.1).